The following is an entry in ClinVar:

ClinVar aggregate classification (germline): Uncertain significance (1 of 4 stars; one submission).

gnomAD v4.1: 2 of 1,598,534 alleles (0.00013%); highest among the groups gnomAD compares: Admixed American, 0.0017%; no homozygotes.

Submission:

Ambry Genetics
Classification: Uncertain significance. Last evaluated: 2025-08-24. Review status: criteria provided, single submitter. Criteria: Ambry Variant Classification Scheme 2023. Collection method: clinical testing. Allele origin: germline.
Comment: The p.L10F variant (also known as c.28C>T), located in coding exon 1 of the MC1R gene, results from a C to T substitution at nucleotide position 28. The leucine at codon 10 is replaced by phenylalanine, an amino acid with highly similar properties. This amino acid position is conserved. In addition, this alteration is predicted to be tolerated by in silico analysis. Based on the available evidence, the clinical significance of this variant remains unclear.

NM_002386.4(MC1R):c.28C>T (p.Leu10Phe)

Gene: MC1R (melanocortin 1 receptor; plus strand). Cytogenetic location: 16q24.3.
Variant type: single nucleotide variant.
Coding change: c.28C>T on transcript NM_002386.4 (MANE Select); coding-DNA position 28, C replaced by T.
Protein change: p.Leu10Phe; replaces leucine 10 with phenylalanine.
Molecular consequence: missense variant.
Genome position (GRCh38, 1-based): chr16:89,919,286, C>T. VCF-style: chr16-89919286-C-T. GRCh37 (hg19) VCF-style: chr16-89985694-C-T.
Other names: short protein forms L10F.
Identifiers: ClinVar variation 4104879 (VCV004104879.1).